The following is an entry in ClinVar:

ClinVar aggregate classification (germline): Uncertain significance (1 of 4 stars; one submission).

Allele frequency attached by ClinVar (database versions not stated): gnomAD exomes below 0.00001; gnomAD 0.00001; TOPMed 0.00001.
gnomAD v4.1: 3 of 1,268,232 alleles (0.00024%); highest among the groups gnomAD compares: Admixed American, 0.0057%; no homozygotes.

Submission:

Labcorp Genetics (formerly Invitae), Labcorp
Classification: Uncertain significance. Last evaluated: 2022-08-20. Review status: criteria provided, single submitter. Criteria: Invitae Variant Classification Sherloc (09022015). Collection method: clinical testing. Allele origin: germline.
Comment: In summary, the available evidence is currently insufficient to determine the role of this variant in disease. Therefore, it has been classified as a Variant of Uncertain Significance. This sequence change replaces tyrosine, which is neutral and polar, with histidine, which is basic and polar, at codon 215 of the PKDCC protein (p.Tyr215His). This variant is not present in population databases (gnomAD no frequency). This variant has not been reported in the literature in individuals affected with PKDCC-related conditions. Algorithms developed to predict the effect of missense changes on protein structure and function are either unavailable or do not agree on the potential impact of this missense change (SIFT: "Deleterious"; PolyPhen-2: "Benign"; Align-GVGD: "Class C65").

NM_138370.3(PKDCC):c.643T>C (p.Tyr215His)

Gene: PKDCC (protein kinase domain containing, cytoplasmic; plus strand). Cytogenetic location: 2p21.
Variant type: single nucleotide variant.
Coding change: c.643T>C on transcript NM_138370.3 (MANE Select); coding-DNA position 643, T replaced by C.
Protein change: p.Tyr215His; replaces tyrosine 215 with histidine.
Molecular consequence: missense variant.
Genome position (GRCh38, 1-based): chr2:42,053,242, T>C. VCF-style: chr2-42053242-T-C. GRCh37 (hg19) VCF-style: chr2-42280382-T-C.
Other names: short protein forms Y215H.
Identifiers: ClinVar variation 1986184 (VCV001986184.4), dbSNP rs960380621, ClinGen allele CA46357759.